The following is an entry in ClinVar:

ClinVar aggregate classification (germline): Uncertain significance (1 of 4 stars; one submission).

Conditions:
Hereditary cancer-predisposing syndrome. Also called: Neoplastic Syndromes, Hereditary; Tumor predisposition; Hereditary neoplastic syndrome; Hereditary Cancer Syndrome. Identifiers: Orphanet 140162, MedGen C0027672, MeSH D009386, MONDO:0015356.

Submission:

Ambry Genetics
Classification: Uncertain significance for Hereditary cancer-predisposing syndrome. Last evaluated: 2023-11-03. Review status: criteria provided, single submitter. Criteria: Ambry Variant Classification Scheme 2023. Collection method: clinical testing. Allele origin: germline.
Comment: The p.K610N variant (also known as c.1830A>C), located in coding exon 11 of the PMS2 gene, results from an A to C substitution at nucleotide position 1830. The lysine at codon 610 is replaced by asparagine, an amino acid with similar properties. This amino acid position is conserved. In addition, this alteration is predicted to be tolerated by in silico analysis. Since supporting evidence is limited at this time, the clinical significance of this alteration remains unclear.

NM_000535.7(PMS2):c.1830A>C (p.Lys610Asn)

Gene: PMS2 (PMS1 homolog 2, mismatch repair system component; minus strand). Cytogenetic location: 7p22.1.
Variant type: single nucleotide variant.
Coding change: c.1830A>C on transcript NM_000535.7 (MANE Select); coding-DNA position 1830, A replaced by C.
Protein change: p.Lys610Asn; replaces lysine 610 with asparagine.
Molecular consequence: missense variant. On other transcripts: non-coding transcript variant (1), intron variant (1).
Genome position (GRCh38, 1-based): chr7:5,986,935, T>G on the plus strand (A>C on the coding strand, the complement: PMS2 is on the minus strand). VCF-style: chr7-5986935-T-G. GRCh37 (hg19) VCF-style: chr7-6026566-T-G.
Other names: c.897A>C, p.Lys299Asn (NM_001322011.2, NM_001322012.2); c.1830A>C, p.Lys610Asn (NM_001322014.2, NM_001406871.1, NM_001406872.1); c.1521A>C, p.Lys507Asn (NM_001322015.2, NM_001406875.1, NM_001406877.1 and 5 more transcripts); c.1257A>C, p.Lys419Asn (NM_001322013.2, NM_001406909.1); c.1425A>C, p.Lys475Asn (NM_001018040.1, NM_001322003.2, NM_001322004.2 and 17 more transcripts); c.1674A>C, p.Lys558Asn (NM_001322006.2, NM_001406870.1); c.1512A>C, p.Lys504Asn (NM_001322007.2, NM_001322008.2, NM_001406876.1 and 2 more transcripts); c.1269A>C, p.Lys423Asn (NM_001322010.2, NM_001406906.1, NM_001406907.1); and 13 more; short protein forms K299N, K353N, K419N, K423N, K439N, K452N, K455N, K475N.
Identifiers: ClinVar variation 3231987 (VCV003231987.1), dbSNP rs2535726858, ClinGen allele CA366739692.